The following is an entry in ClinVar:

NM_014264.5(PLK4):c.1831G>A (p.Val611Met)

Gene: PLK4 (polo like kinase 4; plus strand). Cytogenetic location: 4q28.1.
Variant type: single nucleotide variant.
Coding change: c.1831G>A on transcript NM_014264.5 (MANE Select); coding-DNA position 1831, G replaced by A.
Protein change: p.Val611Met; replaces valine 611 with methionine.
Molecular consequence: missense variant.
Genome position (GRCh38, 1-based): chr4:127,891,092, G>A. VCF-style: chr4-127891092-G-A. GRCh37 (hg19) VCF-style: chr4-128812247-G-A.
Other names: c.1735G>A, p.Val579Met (NM_001190799.2); c.1708G>A, p.Val570Met (NM_001190801.2); short protein forms V611M, V579M, V570M.
Identifiers: ClinVar variation 2046442 (VCV002046442.4), dbSNP rs62335586, ClinGen allele CA358157708.

ClinVar aggregate classification (germline): Uncertain significance (1 of 4 stars; one submission).

gnomAD v4.1: 3 of 1,488,818 alleles (0.0002%); highest among the groups gnomAD compares: South Asian, 0.0025%; no homozygotes.

Submission:

Labcorp Genetics (formerly Invitae), Labcorp
Classification: Uncertain significance. Last evaluated: 2021-12-18. Review status: criteria provided, single submitter. Criteria: Invitae Variant Classification Sherloc (09022015). Collection method: clinical testing. Allele origin: germline.
Comment: In summary, the available evidence is currently insufficient to determine the role of this variant in disease. Therefore, it has been classified as a Variant of Uncertain Significance. This sequence change replaces valine, which is neutral and non-polar, with methionine, which is neutral and non-polar, at codon 611 of the PLK4 protein (p.Val611Met). The frequency data for this variant in the population databases is considered unreliable, as metrics indicate poor data quality at this position in the gnomAD database. This variant has not been reported in the literature in individuals affected with PLK4-related conditions. Algorithms developed to predict the effect of missense changes on protein structure and function are either unavailable or do not agree on the potential impact of this missense change (SIFT: "Tolerated"; PolyPhen-2: "Possibly Damaging"; Align-GVGD: "Class C0").